The following is an entry in ClinVar:

ClinVar aggregate classification (germline): Uncertain significance (1 of 4 stars; one submission).

gnomAD v4.1: 6 of 1,614,144 alleles (0.00037%); highest among the groups gnomAD compares: Non-Finnish European, 0.00051%; no homozygotes.

Submission:

Labcorp Genetics (formerly Invitae), Labcorp
Classification: Uncertain significance. Last evaluated: 2025-03-12. Review status: criteria provided, single submitter. Criteria: Invitae Variant Classification Sherloc (09022015). Collection method: clinical testing. Allele origin: germline.
Comment: This sequence change replaces proline, which is neutral and non-polar, with alanine, which is neutral and non-polar, at codon 69 of the LCT protein (p.Pro69Ala). This variant is not present in population databases (gnomAD no frequency). This variant has not been reported in the literature in individuals affected with LCT-related conditions. An algorithm developed to predict the effect of missense changes on protein structure and function (PolyPhen-2) suggests that this variant is likely to be tolerated. In summary, the available evidence is currently insufficient to determine the role of this variant in disease. Therefore, it has been classified as a Variant of Uncertain Significance.

NM_002299.4(LCT):c.205C>G (p.Pro69Ala)

Gene: LCT (lactase; minus strand). Cytogenetic location: 2q21.3.
Variant type: single nucleotide variant.
Coding change: c.205C>G on transcript NM_002299.4 (MANE Select); coding-DNA position 205, C replaced by G.
Protein change: p.Pro69Ala; replaces proline 69 with alanine.
Molecular consequence: missense variant.
Genome position (GRCh38, 1-based): chr2:135,836,965, G>C on the plus strand (C>G on the coding strand, the complement: LCT is on the minus strand). VCF-style: chr2-135836965-G-C. GRCh37 (hg19) VCF-style: chr2-136594535-G-C.
Other names: short protein forms P69A.
Identifiers: ClinVar variation 4768185 (VCV004768185.1).